The following is an entry in ClinVar:

NM_173483.4(CYP4F22):c.1084C>T (p.Arg362Ter)

Gene: CYP4F22 (cytochrome P450 family 4 subfamily F member 22; plus strand). Cytogenetic location: 19p13.12.
Variant type: single nucleotide variant.
Coding change: c.1084C>T on transcript NM_173483.4 (MANE Select); coding-DNA position 1084, C replaced by T.
Protein change: p.Arg362Ter; replaces arginine 362 with a stop codon.
Molecular consequence: nonsense.
Genome position (GRCh38, 1-based): chr19:15,544,227, C>T. VCF-style: chr19-15544227-C-T. GRCh37 (hg19) VCF-style: chr19-15655038-C-T.
Other names: short protein forms R362*.
Identifiers: ClinVar variation 379536 (VCV000379536.4), dbSNP rs745368359, ClinGen allele CA9269833.

ClinVar aggregate classification (germline): Pathogenic. Review status: criteria provided, multiple submitters, no conflicts (2 of 4 stars). 3 submissions from 3 submitters: Pathogenic (2). 1 of the submissions does not count toward it. Last evaluated 2025-10-13.

Conditions:
Lamellar ichthyosis. Identifiers: Orphanet 313, MedGen C5848247, MONDO:0017778.
Autosomal recessive congenital ichthyosis 5 (ARCI5). Also called: Ichthyosis, nonlamellar and nonerythrodermic, congenital, autosomal recessive; ICHTHYOSIS CONGENITA III. Identifiers: Orphanet 313, MedGen C1858133, MONDO:0011485, OMIM 604777.

Allele frequency attached by ClinVar (database versions not stated): gnomAD 0.00001; TOPMed 0.00001; ExAC 0.00002; gnomAD exomes 0.00002.
gnomAD v4.1: 13 of 1,613,830 alleles (0.00081%); highest among the groups gnomAD compares: Admixed American, 0.0017%; no homozygotes.

Submissions (3):

Women's Health and Genetics/Laboratory Corporation of America, LabCorp
Classification: Pathogenic for Lamellar ichthyosis. Last evaluated: 2025-10-13. Review status: criteria provided, single submitter. Criteria: LabCorp Variant Classification Summary - May 2015. Collection method: clinical testing. Allele origin: germline.
Comment: Variant summary: CYP4F22 c.1084C>T (p.Arg362X) results in a premature termination codon, predicted to cause a truncation of the encoded protein or absence of the protein due to nonsense mediated decay, which are commonly known mechanisms for disease. The variant allele was found at a frequency of 2e-05 in 251338 control chromosomes. c.1084C>T has been observed in at least 1 individual(s) affected with clinical features of Lamellar Ichthyosis (Diociaiuti_2024). These report(s) do not provide unequivocal conclusions about association of the variant with Lamellar Ichthyosis. The following publication has been ascertained in the context of this evaluation (PMID: 38588653). ClinVar contains an entry for this variant (Variation ID: 379536). Based on the evidence outlined above, the variant was classified as pathogenic.

GeneDx
Classification: Pathogenic. Last evaluated: 2015-04-29. Review status: criteria provided, single submitter. Criteria: GeneDx Variant Classification (06012015). Collection method: clinical testing. Allele origin: germline. Affected: yes.
Comment: The R362X variant in the CYP4F22 gene has not been reported previously as a pathogenic variant and it was also not observed in approximately 6,500 individuals of European and African Americanancestry in the NHLBI Exome Sequencing Project, indicating it is not a common benign variant in thesepopulations. This variant is predicted to cause loss of normal protein function either through proteintruncation or nonsense-mediated mRNA decay. Therefore, we interpret R362X as a pathogenic variant.

Institute for Human Genetics, University Medical Center Freiburg
Classification: Pathogenic for Autosomal recessive congenital ichthyosis 5. Last evaluated: 2018-04-23. Review status: no assertion criteria provided. Collection method: clinical testing. Allele origin: germline. Affected: yes. Not counted in ClinVar's aggregate classification.

Literature cited by the submitters: PubMed 38588653 (cited by Women's Health and Genetics/Laboratory Corporation of America, LabCorp); PubMed 26762237 (cited by Institute for Human Genetics, University Medical Center Freiburg).